The following is an entry in ClinVar:

NM_001031679.3(MSRB3):c.145C>A (p.Pro49Thr)

Gene: MSRB3 (methionine sulfoxide reductase B3; plus strand). Cytogenetic location: 12q14.3.
Variant type: single nucleotide variant.
Coding change: c.145C>A on transcript NM_001031679.3 (MANE Select); coding-DNA position 145, C replaced by A.
Protein change: p.Pro49Thr; replaces proline 49 with threonine.
Molecular consequence: missense variant.
Genome position (GRCh38, 1-based): chr12:65,326,894, C>A. VCF-style: chr12-65326894-C-A. GRCh37 (hg19) VCF-style: chr12-65720674-C-A.
Other names: c.145C>A, p.Pro49Thr (NM_001193460.2, NM_001193461.2); c.166C>A, p.Pro56Thr (NM_198080.4); short protein forms P56T, P49T.
Identifiers: ClinVar variation 432479 (VCV000432479.2), dbSNP rs746107469, ClinGen allele CA385674788.
Genomic context (GRCh38, chr12:65,326,894, plus strand): 5'-AGGGATAAAAAGAACTGTAAGGTGGTCTTTTCCCAGCAGGAACTGAGGAAGCGGCTAACA[C>A]CCCTGCAGTACCATGTCACTCAGGAGAAAGGGACCGAAAGGTAAGGTGAGCTTTAATAAA-3'
Protein context (NP_001026849.1, residues 39-59): SQQELRKRLT[Pro49Thr]LQYHVTQEKG

ClinVar aggregate classification (germline): Uncertain significance (1 of 4 stars; one submission).

Allele frequency attached by ClinVar (database versions not stated): TOPMed 0.00001.

Submission:

GeneDx
Classification: Uncertain significance. Last evaluated: 2017-06-15. Review status: criteria provided, single submitter. Criteria: GeneDx Variant Classification (06012015). Collection method: clinical testing. Allele origin: germline. Affected: yes.
Comment: The P56T variant in the MSRB3 gene has not been reported previously as a pathogenic variant, nor as a benign variant, to our knowledge. The P56T variant is not observed in large population cohorts (Lek et al., 2016; 1000 Genomes Consortium et al., 2015; Exome Variant Server). The P56T variant is a non-conservative amino acid substitution, which is likely to impact secondary protein structure as these residues differ in polarity, charge, size and/or other properties. This substitution occurs at a position that is conserved across species, and in silico analysis predicts this variant is probably damaging to the protein structure/function. We interpret P56T as a variant of uncertain significance.